The following is an entry in ClinVar:

ClinVar aggregate classification (germline): Pathogenic (1 of 4 stars; one submission).

Submission:

Labcorp Genetics (formerly Invitae), Labcorp
Classification: Pathogenic. Last evaluated: 2022-05-01. Review status: criteria provided, single submitter. Criteria: Invitae Variant Classification Sherloc (09022015). Collection method: clinical testing. Allele origin: germline.
Comment: For these reasons, this variant has been classified as Pathogenic. This variant has not been reported in the literature in individuals affected with DDX3X-related conditions. This variant is not present in population databases (gnomAD no frequency). This sequence change creates a premature translational stop signal (p.Asn194Lysfs*3) in the DDX3X gene. It is expected to result in an absent or disrupted protein product. Loss-of-function variants in DDX3X are known to be pathogenic (PMID: 26235985).

Literature cited by the submitters: PubMed 26235985.

NM_001356.5(DDX3X):c.581dup (p.Asn194fs)

Gene: DDX3X (DEAD-box helicase 3 X-linked; plus strand). Cytogenetic location: Xp11.4.
Variant type: Duplication.
Coding change: c.581dup on transcript NM_001356.5 (MANE Select); coding-DNA position 581, one base duplicated (A; older notation c.581dupA).
Protein change: p.Asn194fs; shifts the reading frame from asparagine 194.
Molecular consequence: frameshift variant. On other transcripts: non-coding transcript variant (1).
Genome position (GRCh38, 1-based): chrX:41,343,253, A duplicated; the last of 3 consecutive A bases (chrX:41,343,251-41,343,253); duplicating any one gives the same sequence. VCF-style (leftmost placement, unchanged base first): chrX-41343250-G-GA. GRCh37 (hg19) VCF-style: chrX-41202503-G-GA.
Other names: c.581dup, p.Asn194fs (NM_001193416.3); c.533dup, p.Asn178fs (NM_001193417.3); c.23dup, p.Asn8fs (NM_001363819.1); short protein forms N8fs, N194fs, N178fs.
Identifiers: ClinVar variation 2132447 (VCV002132447.4), dbSNP rs2519511129, ClinGen allele CA2580101024.
Genomic context (GRCh38, chrX:41,343,250, plus strand): 5'-CCTAACCCCATTGAATTTCTTAACAGTTCAGTGATGTTGAGATGGGAGAAATTATCATGG[G>GA]AAACATTGAGCTTACTCGTTATACTCGCCCAACTCCAGTGCAAAAGCATGCTATTCCTAT-3'